The following is an entry in ClinVar:

NM_000083.3(CLCN1):c.595C>T (p.Arg199Cys)

Gene: CLCN1 (chloride voltage-gated channel 1; plus strand). Cytogenetic location: 7q34.
Variant type: single nucleotide variant.
Coding change: c.595C>T on transcript NM_000083.3 (MANE Select); coding-DNA position 595, C replaced by T.
Protein change: p.Arg199Cys; replaces arginine 199 with cysteine.
Molecular consequence: missense variant. On other transcripts: non-coding transcript variant (1).
Genome position (GRCh38, 1-based): chr7:143,321,747, C>T. VCF-style: chr7-143321747-C-T. GRCh37 (hg19) VCF-style: chr7-143018840-C-T.
Other names: short protein forms R199C.
Identifiers: ClinVar variation 583185 (VCV000583185.9), dbSNP rs143506735, ClinGen allele CA4537011.
Genomic context (GRCh38, chr7:143,321,747, plus strand): 5'-CCTGCACATAATCTTTCAACGCTTTTAGGCTCTGGAATCCCCGAAATGAAGACAATACTT[C>T]GTGGGGTTGTCCTGAAGGAATACCTCACAATGAAAGCCTTTGTGGCCAAGGTTGTCGCCC-3'
Protein context (NP_000074.3, residues 189-209): SGIPEMKTIL[Arg199Cys]GVVLKEYLTM

ClinVar aggregate classification (germline): Uncertain significance (1 of 4 stars; one submission).

Conditions:
Congenital myotonia, autosomal dominant form (THD). Also called: THOMSEN DISEASE; Myotonia congenita autosomal dominant. Identifiers: Orphanet 614, MedGen C2936781, MONDO:0008055, OMIM 160800.
Congenital myotonia, autosomal recessive form. Also called: BECKER DISEASE; Becker Generalized Myotonia; myotonia congenita, autosomal recessive. Identifiers: Orphanet 614, MedGen C0751360, MONDO:0009715, OMIM 255700.

Allele frequency attached by ClinVar (database versions not stated): gnomAD exomes 0.00004; ExAC 0.00006; gnomAD 0.00007 and 0.00008; TOPMed 0.00008; ESP Exome Variant Server 0.00015.
gnomAD v4.1: 107 of 1,614,082 alleles (0.0066%); highest among the groups gnomAD compares: Non-Finnish European, 0.0086%; no homozygotes.

Submission:

Labcorp Genetics (formerly Invitae), Labcorp
Classification: Uncertain significance for Congenital myotonia, autosomal recessive form; Congenital myotonia, autosomal dominant form. Last evaluated: 2024-10-17. Review status: criteria provided, single submitter. Criteria: Invitae Variant Classification Sherloc (09022015). Collection method: clinical testing. Allele origin: germline.
Comment: This sequence change replaces arginine, which is basic and polar, with cysteine, which is neutral and slightly polar, at codon 199 of the CLCN1 protein (p.Arg199Cys). This variant is present in population databases (rs143506735, gnomAD 0.009%). This variant has not been reported in the literature in individuals affected with CLCN1-related conditions. ClinVar contains an entry for this variant (Variation ID: 583185). Invitae Evidence Modeling of protein sequence and biophysical properties (such as structural, functional, and spatial information, amino acid conservation, physicochemical variation, residue mobility, and thermodynamic stability) indicates that this missense variant is expected to disrupt CLCN1 protein function with a positive predictive value of 95%. In summary, the available evidence is currently insufficient to determine the role of this variant in disease. Therefore, it has been classified as a Variant of Uncertain Significance.